The following is an entry in ClinVar:

NM_014797.3(ZBTB24):c.784G>A (p.Val262Ile)

Gene: ZBTB24 (zinc finger and BTB domain containing 24; minus strand). Cytogenetic location: 6q21.
Variant type: single nucleotide variant.
Coding change: c.784G>A on transcript NM_014797.3 (MANE Select); coding-DNA position 784, G replaced by A.
Protein change: p.Val262Ile; replaces valine 262 with isoleucine.
Molecular consequence: missense variant.
Genome position (GRCh38, 1-based): chr6:109,481,243, C>T on the plus strand (G>A on the coding strand, the complement: ZBTB24 is on the minus strand). VCF-style: chr6-109481243-C-T. GRCh37 (hg19) VCF-style: chr6-109802446-C-T.
Other names: c.784G>A, p.Val262Ile (NM_001164313.2); short protein forms V262I.
Identifiers: ClinVar variation 569180 (VCV000569180.9), dbSNP rs540553715, ClinGen allele CA3954288.

ClinVar aggregate classification (germline): Uncertain significance (1 of 4 stars; one submission).

Conditions:
Immunodeficiency-centromeric instability-facial anomalies syndrome 2 (ICF2). Identifiers: Orphanet 2268, MedGen C3279748, MONDO:0013553, OMIM 614069.

Allele frequency attached by ClinVar (database versions not stated): gnomAD 0.00001 and 0.00002; TOPMed 0.00001; gnomAD exomes 0.00004 and 0.00005; ExAC 0.00006; 1000 Genomes Project 30x 0.00016; 1000 Genomes Project 0.00020.
gnomAD v4.1: 65 of 1,614,220 alleles (0.004%); highest among the groups gnomAD compares: South Asian, 0.018%; no homozygotes.

Submission:

Labcorp Genetics (formerly Invitae), Labcorp
Classification: Uncertain significance for Immunodeficiency-centromeric instability-facial anomalies syndrome 2. Last evaluated: 2024-09-05. Review status: criteria provided, single submitter. Criteria: Invitae Variant Classification Sherloc (09022015). Collection method: clinical testing. Allele origin: germline.
Comment: This sequence change replaces valine, which is neutral and non-polar, with isoleucine, which is neutral and non-polar, at codon 262 of the ZBTB24 protein (p.Val262Ile). This variant is present in population databases (rs540553715, gnomAD 0.03%). This variant has not been reported in the literature in individuals affected with ZBTB24-related conditions. ClinVar contains an entry for this variant (Variation ID: 569180). An algorithm developed to predict the effect of missense changes on protein structure and function outputs the following: PolyPhen-2: "Benign". The isoleucine amino acid residue is found in multiple mammalian species, which suggests that this missense change does not adversely affect protein function. In summary, the available evidence is currently insufficient to determine the role of this variant in disease. Therefore, it has been classified as a Variant of Uncertain Significance.